The following is an entry in ClinVar:

NM_004530.6(MMP2):c.1287del (p.Asn430fs)

Gene: MMP2 (matrix metallopeptidase 2; plus strand). Cytogenetic location: 16q12.2.
Variant type: Deletion.
Coding change: c.1287del on transcript NM_004530.6 (MANE Select); coding-DNA position 1287, one base deleted (G; older notation c.1287delG).
Protein change: p.Asn430fs; shifts the reading frame from asparagine 430.
Molecular consequence: frameshift variant.
Genome position (GRCh38, 1-based): chr16:55,491,907, G deleted. VCF-style (leftmost placement, unchanged base first): chr16-55491906-AG-A. GRCh37 (hg19) VCF-style: chr16-55525818-AG-A.
Other names: c.1287delG (NM_004530.6); c.1137del, p.Asn380fs (NM_001127891.3); c.1059del, p.Asn354fs (NM_001302508.1, NM_001302509.2, NM_001302510.2); short protein forms N380fs, N354fs, N430fs.
Identifiers: ClinVar variation 198809 (VCV000198809.12), dbSNP rs794727916, ClinGen allele CA203624.

ClinVar aggregate classification (germline): Pathogenic. Review status: criteria provided, multiple submitters, no conflicts (2 of 4 stars). 4 submissions from 4 submitters: Pathogenic (3). 1 of the submissions does not count toward it. Last evaluated 2023-11-14.

Conditions:
Multicentric osteolysis, nodulosis, and arthropathy (MONA). Also called: OSTEOLYSIS, HEREDITARY MULTICENTRIC; TORG SYNDROME; Torg-Winchester syndrome; AL-AQEEL SEWAIRI SYNDROME; NAO SYNDROME. Identifiers: MedGen CN322832, MONDO:0009809, OMIM 259600.
Multicentric osteolysis nodulosis arthropathy spectrum. Identifiers: Orphanet 3460, Orphanet 371428, MedGen C1850155, MONDO:0018298.

Allele frequency attached by ClinVar (database versions not stated): gnomAD exomes below 0.00001.

Submissions (4):

Revvity Omics, Revvity
Classification: Pathogenic for Multicentric osteolysis, nodulosis, and arthropathy. Last evaluated: 2023-11-14. Review status: criteria provided, single submitter. Criteria: ACMG Guidelines, 2015. Collection method: clinical testing. Allele origin: germline.

Eurofins Ntd Llc (ga)
Classification: Pathogenic. Last evaluated: 2014-12-10. Review status: criteria provided, single submitter. Criteria: EGL Classification Definitions 2015. Collection method: clinical testing. Allele origin: germline. Observed: 1 variant allele, 1 heterozygote.

Kasturba Medical College, Manipal, Kasturba Medical College, Manipal, Manipal Academy of Higher Education, Manipal, India
Classification: Pathogenic for Multicentric osteolysis, nodulosis, and arthropathy. Review status: criteria provided, single submitter. Criteria: ACMG Guidelines, 2015. Collection method: clinical testing. Allele origin: inherited. Affected: yes.

Leeds Institute of Medical Research, University of Leeds
Classification: Pathogenic for Multicentric osteolysis, nodulosis, and arthropathy. Last evaluated: 2025-01-13. Review status: no assertion criteria provided. Collection method: research. Allele origin: germline. Affected: yes. Observed: 2 variant alleles. Not counted in ClinVar's aggregate classification.
Comment: This homozygous NM_004530.6:c.1287del variant in MMP2 results in a frameshift and premature stop codon (p.Asn430ThrfsTer68), which is predicted to result in loss of protein. The variant is rare in gnomAD v4.0 (S.Asian maf of 0.00005494) and segregates in a consanguineous family with multiple affected individuals. It variant has a CADD v1.7 score of 34 and has previously been published as a cause of disease (PMID:26601801). The variant meets ACMG criteria PM3, PVS1, PM2 and PP5 and is classified as Pathogenic.